The following is an entry in ClinVar:

ClinVar aggregate classification (germline): Uncertain significance (1 of 4 stars; one submission).

gnomAD v4.1: 12 of 1,613,922 alleles (0.00074%); highest among the groups gnomAD compares: Non-Finnish European, 0.001%; no homozygotes.

Submission:

Labcorp Genetics (formerly Invitae), Labcorp
Classification: Uncertain significance. Last evaluated: 2022-10-05. Review status: criteria provided, single submitter. Criteria: Invitae Variant Classification Sherloc (09022015). Collection method: clinical testing. Allele origin: germline.
Comment: In summary, the available evidence is currently insufficient to determine the role of this variant in disease. Therefore, it has been classified as a Variant of Uncertain Significance. Algorithms developed to predict the effect of missense changes on protein structure and function (SIFT, PolyPhen-2, Align-GVGD) all suggest that this variant is likely to be disruptive. ClinVar contains an entry for this variant (Variation ID: 1362375). This variant has not been reported in the literature in individuals affected with C1S-related conditions. This variant is present in population databases (no rsID available, gnomAD 0.0009%). This sequence change replaces proline, which is neutral and non-polar, with arginine, which is basic and polar, at codon 160 of the C1S protein (p.Pro160Arg).

NM_001734.5(C1S):c.479C>G (p.Pro160Arg)

Gene: C1S (complement C1s; plus strand). Cytogenetic location: 12p13.31.
Variant type: single nucleotide variant.
Coding change: c.479C>G on transcript NM_001734.5 (MANE Select); coding-DNA position 479, C replaced by G.
Protein change: p.Pro160Arg; replaces proline 160 with arginine.
Molecular consequence: missense variant. On other transcripts: 5 prime UTR variant (1).
Genome position (GRCh38, 1-based): chr12:7,064,354, C>G. VCF-style: chr12-7064354-C-G. GRCh37 (hg19) VCF-style: chr12-7171658-C-G.
Other names: c.-23C>G (NM_001346850.2); c.479C>G, p.Pro160Arg (NM_201442.4); short protein forms P160R.
Identifiers: ClinVar variation 1362375 (VCV001362375.8), dbSNP rs1400068569, ClinGen allele CA383692675.